The following is an entry in ClinVar:

NM_004006.3(DMD):c.883C>T (p.Arg295Ter)

Gene: DMD (dystrophin; minus strand). Cytogenetic location: Xp21.1.
Variant type: single nucleotide variant.
Coding change: c.883C>T on transcript NM_004006.3 (MANE Select); coding-DNA position 883, C replaced by T.
Protein change: p.Arg295Ter; replaces arginine 295 with a stop codon.
Molecular consequence: nonsense.
Genome position (GRCh38, 1-based): chrX:32,697,947, G>A on the plus strand (C>T on the coding strand, the complement: DMD is on the minus strand). VCF-style: chrX-32697947-G-A. GRCh37 (hg19) VCF-style: chrX-32716064-G-A.
Other names: NP_003997.1:p.Arg295*; c.859C>T, p.Arg287Ter (NM_000109.4); c.871C>T, p.Arg291Ter (NM_004009.3); c.514C>T, p.Arg172Ter (NM_004010.3); short protein forms R295*, R287*, R291*, R172*.
Identifiers: ClinVar variation 166864 (VCV000166864.25), dbSNP rs727503864, ClinGen allele CA273321.

ClinVar aggregate classification (germline): Pathogenic/Likely pathogenic. Review status: criteria provided, multiple submitters, no conflicts (2 of 4 stars). 7 submissions from 7 submitters: Pathogenic (5); Likely pathogenic (1). 1 of the submissions does not count toward it. Last evaluated 2024-06-11.

Conditions:
DMD-related disorder. Also called: DMD-related condition.
Neuromuscular disease caused by qualitative or quantitative defects of dystrophin. Also called: Qualitative or quantitative defects of dystrophin. Identifiers: Orphanet 207085, MedGen C5679787, MONDO:0016147.
Becker muscular dystrophy (BMD). Also called: Becker Muscular Dystrophy (BMD); MUSCULAR DYSTROPHY, PSEUDOHYPERTROPHIC PROGRESSIVE, BECKER TYPE. Identifiers: Orphanet 98895, MedGen C0917713, MONDO:0010311, OMIM 300376.
Duchenne muscular dystrophy (DMD). Also called: Duchenne Muscular Dystrophy (DMD); MUSCULAR DYSTROPHY, PSEUDOHYPERTROPHIC PROGRESSIVE, DUCHENNE TYPE. Identifiers: Orphanet 98896, MedGen C0013264, MONDO:0010679, OMIM 310200.

Allele frequency attached by ClinVar (database versions not stated): TOPMed below 0.00001.

Submissions (7):

Labcorp Genetics (formerly Invitae), Labcorp
Classification: Pathogenic for Duchenne muscular dystrophy. Last evaluated: 2024-06-11. Review status: criteria provided, single submitter. Criteria: Invitae Variant Classification Sherloc (09022015). Collection method: clinical testing. Allele origin: germline.
Comment: This sequence change creates a premature translational stop signal (p.Arg295*) in the DMD gene. It is expected to result in an absent or disrupted protein product. Loss-of-function variants in DMD are known to be pathogenic (PMID: 16770791, 25007885). This variant is not present in population databases (gnomAD no frequency). This premature translational stop signal has been observed in individuals with Duchenne and Becker muscular dystrophy (PMID: 17726484, 23536893, 27593222). ClinVar contains an entry for this variant (Variation ID: 166864). Algorithms developed to predict the effect of sequence changes on RNA splicing suggest that this variant may disrupt the consensus splice site. For these reasons, this variant has been classified as Pathogenic.

Baylor Genetics
Classification: Likely pathogenic for Becker muscular dystrophy. Last evaluated: 2023-12-20. Review status: criteria provided, single submitter. Criteria: ACMG Guidelines, 2015. Collection method: clinical testing. Allele origin: unknown.

Women's Health and Genetics/Laboratory Corporation of America, LabCorp
Classification: Pathogenic for Neuromuscular disease caused by qualitative or quantitative defects of dystrophin. Last evaluated: 2023-03-17. Review status: criteria provided, single submitter. Criteria: LabCorp Variant Classification Summary - May 2015. Collection method: clinical testing. Allele origin: germline.
Comment: Variant summary: DMD c.883C>T (p.Arg295X) results in a premature termination codon, predicted to cause a truncation of the encoded protein or absence of the protein due to nonsense mediated decay, which are commonly known mechanisms for disease. Truncations downstream of this position have been classified as pathogenic by our laboratory. The variant was absent in 174282 control chromosomes (gnomAD). c.883C>T has been reported in the literature in individuals affected with Dystrophinopathies (example: Ashton_2008, Juan-Mateu_2013, Cho_2017). Three clinical diagnostic laboratories have submitted clinical-significance assessments for this variant to ClinVar after 2014 and all classified the variant as pathogenic. Based on the evidence outlined above, the variant was classified as pathogenic.

Laboratory of Medical Genetics, National & Kapodistrian University of Athens
Classification: Pathogenic for Becker muscular dystrophy. Last evaluated: 2022-12-16. Review status: criteria provided, single submitter. Criteria: ACMG Guidelines, 2015. Collection method: clinical testing. Allele origin: germline. Affected: yes.
Comment: PVS1, PM2, PP5

ARUP Laboratories, Molecular Genetics and Genomics, ARUP Laboratories
Classification: Pathogenic. Last evaluated: 2018-03-06. Review status: criteria provided, single submitter. Criteria: ARUP Molecular Germline Variant Investigation Process. Collection method: clinical testing. Allele origin: germline.
Comment: The DMD c.883C>T; p.Arg295Ter variant (rs727503864) has been previously detected in at least three patients diagnosed with Duchenne or Becker muscular dystrophy (Ashton 2008, Cho 2017, Juan-Mateu 2013). This variant induces an early termination codon and is predicted to result in a truncated protein or mRNA subject to nonsense-mediated decay. This variant is absent from general population databases (1000 Genomes Project, Exome Variant Server, and Genome Aggregation Database) and is classified as pathogenic in ClinVar (variant ID 166864). Based on the available information, the p.Arg295Ter variant is classified as pathogenic.

Eurofins Ntd Llc (ga)
Classification: Pathogenic. Last evaluated: 2014-01-17. Review status: criteria provided, single submitter. Criteria: EGL Classification Definitions 2015. Collection method: clinical testing. Allele origin: germline. Observed: 1 variant allele, 1 heterozygote.

PreventionGenetics, part of Exact Sciences
Classification: Pathogenic for DMD-related condition. Last evaluated: 2024-08-02. Review status: no assertion criteria provided. Collection method: clinical testing. Allele origin: germline. Not counted in ClinVar's aggregate classification.
Comment: The DMD c.883C>T variant is predicted to result in premature protein termination (p.Arg295*). This variant has been reported in two individuals with Duchenne muscular dystrophy (Table S2, Ashton et al. 2008. PubMed ID: 17726484; Table S1, Wang et al. 2019. PubMed ID: 308339662) and in three individuals with Becker muscular dystrophy (Table S2, Ashton et al. 2008. PubMed ID: 17726484; Table 3, Okubo et al. 2020. PubMed ID: 31919629; Table 1, Juan-Mateu et al. 2013. PubMed ID: 23536893). It has also been reported in an individual where the type of muscular dystrophy was not specified (Cho et al. 2017. PubMed ID: 27593222). This variant has not been reported in a large population database, indicating this variant is rare. Nonsense variants in DMD are expected to be pathogenic. This variant is interpreted as pathogenic.

Literature cited by the submitters: PubMed 16770791 (cited by Labcorp Genetics (formerly Invitae), Labcorp); PubMed 25007885 (cited by Labcorp Genetics (formerly Invitae), Labcorp); PubMed 17726484 (cited by Labcorp Genetics (formerly Invitae), Labcorp and Women's Health and Genetics/Laboratory Corporation of America, LabCorp); PubMed 23536893 (cited by Labcorp Genetics (formerly Invitae), Labcorp and Women's Health and Genetics/Laboratory Corporation of America, LabCorp); PubMed 27593222 (cited by Labcorp Genetics (formerly Invitae), Labcorp and Women's Health and Genetics/Laboratory Corporation of America, LabCorp).